The following is an entry in ClinVar:

ClinVar aggregate classification (germline): Uncertain significance (1 of 4 stars; one submission).

Submission:

Labcorp Genetics (formerly Invitae), Labcorp
Classification: Uncertain significance. Last evaluated: 2021-07-07. Review status: criteria provided, single submitter. Criteria: Invitae Variant Classification Sherloc (09022015). Collection method: clinical testing. Allele origin: germline.
Comment: This sequence change replaces phenylalanine with serine at codon 245 of the MICU1 protein (p.Phe245Ser). The phenylalanine residue is highly conserved and there is a large physicochemical difference between phenylalanine and serine. This variant is not present in population databases (ExAC no frequency). This variant has not been reported in the literature in individuals affected with MICU1-related conditions. Algorithms developed to predict the effect of missense changes on protein structure and function are either unavailable or do not agree on the potential impact of this missense change (SIFT: "Deleterious"; PolyPhen-2: "Not Available"; Align-GVGD: "Class C55"). In summary, the available evidence is currently insufficient to determine the role of this variant in disease. Therefore, it has been classified as a Variant of Uncertain Significance.

NM_001195518.2(MICU1):c.728T>C (p.Phe243Ser)

Gene: MICU1 (mitochondrial calcium uptake 1; minus strand). Cytogenetic location: 10q22.1.
Variant type: single nucleotide variant.
Coding change: c.728T>C on transcript NM_001195518.2 (MANE Select); coding-DNA position 728, T replaced by C.
Protein change: p.Phe243Ser; replaces phenylalanine 243 with serine.
Molecular consequence: missense variant.
Genome position (GRCh38, 1-based): chr10:72,477,181, A>G on the plus strand (T>C on the coding strand, the complement: MICU1 is on the minus strand). VCF-style: chr10-72477181-A-G. GRCh37 (hg19) VCF-style: chr10-74236939-A-G.
Other names: c.134T>C, p.Phe45Ser (NM_001195519.2); c.746T>C, p.Phe249Ser (NM_001363513.2); c.734T>C, p.Phe245Ser (NM_006077.4); short protein forms F245S, F45S, F243S, F249S.
Identifiers: ClinVar variation 1433578 (VCV001433578.8), dbSNP rs2132272950, ClinGen allele CA377393039.